The following is an entry in ClinVar:

ClinVar aggregate classification (germline): Uncertain significance (1 of 4 stars; one submission).

Conditions:
Hereditary cancer-predisposing syndrome. Also called: Neoplastic Syndromes, Hereditary; Tumor predisposition; Hereditary Cancer Syndrome; Hereditary neoplastic syndrome. Identifiers: Orphanet 140162, MedGen C0027672, MeSH D009386, MONDO:0015356.

Submission:

Ambry Genetics
Classification: Uncertain significance for Hereditary cancer-predisposing syndrome. Last evaluated: 2020-01-30. Review status: criteria provided, single submitter. Criteria: Ambry Variant Classification Scheme 2023. Collection method: clinical testing. Allele origin: germline.
Comment: The p.R35L variant (also known as c.104G>T), located in coding exon 2 of the ATM gene, results from a G to T substitution at nucleotide position 104. The arginine at codon 35 is replaced by leucine, an amino acid with dissimilar properties. This amino acid position is not well conserved in available vertebrate species. In addition, this alteration is predicted to be tolerated by in silico analysis. Since supporting evidence is limited at this time, the clinical significance of this alteration remains unclear.

NM_000051.4(ATM):c.104G>T (p.Arg35Leu)

Gene: ATM (ATM serine/threonine kinase; plus strand). Cytogenetic location: 11q22.3.
Variant type: single nucleotide variant.
Coding change: c.104G>T on transcript NM_000051.4 (MANE Select); coding-DNA position 104, G replaced by T.
Protein change: p.Arg35Leu; replaces arginine 35 with leucine.
Molecular consequence: missense variant.
Genome position (GRCh38, 1-based): chr11:108,227,807, G>T. VCF-style: chr11-108227807-G-T. GRCh37 (hg19) VCF-style: chr11-108098534-G-T.
Other names: c.104G>T, p.Arg35Leu (NM_001351834.2, NM_001351835.2, NM_001351836.2); short protein forms R35L.
Identifiers: ClinVar variation 1776718 (VCV001776718.2), dbSNP rs876659324, ClinGen allele CA382519737.